The following is an entry in ClinVar:

NM_005138.3(SCO2):c.221C>A (p.Ala74Asp)

Genes: SCO2 (synthesis of cytochrome C oxidase 2; minus strand), NCAPH2 (non-SMC condensin II complex subunit H2; plus strand). Cytogenetic location: 22q13.33.
Variant type: single nucleotide variant.
Coding change: c.221C>A on transcript NM_005138.3 (MANE Select); coding-DNA position 221, C replaced by A.
Protein change: p.Ala74Asp; replaces alanine 74 with aspartic acid.
Molecular consequence: missense variant. On other transcripts: 3 prime UTR variant (2).
Genome position (GRCh38, 1-based): chr22:50,524,191, G>T on the plus strand (C>A on the coding strand, the complement: SCO2 is on the minus strand). VCF-style: chr22-50524191-G-T. GRCh37 (hg19) VCF-style: chr22-50962620-G-T.
Other names: c.*816G>T (NM_001185011.2, NM_152299.4); c.221C>A, p.Ala74Asp (NM_001169109.2, NM_001169110.1, NM_001169111.2); short protein forms A74D.
Identifiers: ClinVar variation 2430622 (VCV002430622.5), dbSNP rs773919773, ClinGen allele CA10321265.

ClinVar aggregate classification (germline): Uncertain significance. Review status: criteria provided, multiple submitters, no conflicts (2 of 4 stars). 3 submissions from 3 submitters: Uncertain significance (3). Last evaluated 2025-12-11.

Conditions:
Inborn genetic diseases. Identifiers: MedGen C0950123, MeSH D030342.
Cardioencephalomyopathy, fatal infantile, due to cytochrome c oxidase deficiency 1 (MC4DN2). Also called: CYTOCHROME c OXIDASE DEFICIENCY, FATAL INFANTILE, WITH CARDIOENCEPHALOMYOPATHY; MITOCHONDRIAL COMPLEX IV DEFICIENCY, NUCLEAR TYPE 2. Identifiers: Orphanet 1561, MedGen C5399977, MONDO:0011451, OMIM 604377.

Allele frequency attached by ClinVar (database versions not stated): gnomAD 0.00002; TOPMed 0.00002.
gnomAD v4.1: 11 of 1,608,654 alleles (0.00068%); highest among the groups gnomAD compares: Admixed American, 0.017%; no homozygotes.

Submissions (3):

Ambry Genetics
Classification: Uncertain significance for Inborn genetic diseases. Last evaluated: 2025-12-11. Review status: criteria provided, single submitter. Criteria: Ambry Variant Classification Scheme 2023. Collection method: clinical testing. Allele origin: germline.

Baylor Genetics
Classification: Uncertain significance for Cardioencephalomyopathy, fatal infantile, due to cytochrome c oxidase deficiency 1. Last evaluated: 2024-01-24. Review status: criteria provided, single submitter. Criteria: ACMG Guidelines, 2015. Collection method: clinical testing. Allele origin: unknown.

GeneDx
Classification: Uncertain significance. Last evaluated: 2023-02-17. Review status: criteria provided, single submitter. Criteria: GeneDx Variant Classification Process June 2021. Collection method: clinical testing. Allele origin: germline. Affected: yes.
Comment: In silico analysis supports that this missense variant does not alter protein structure/function; Has not been previously published as pathogenic or benign to our knowledge